The following is an entry in ClinVar:

NM_018249.6(CDK5RAP2):c.4211C>A (p.Thr1404Asn)

Gene: CDK5RAP2 (CDK5 regulatory subunit associated protein 2; minus strand). Cytogenetic location: 9q33.2.
Variant type: single nucleotide variant.
Coding change: c.4211C>A on transcript NM_018249.6 (MANE Select); coding-DNA position 4211, C replaced by A.
Protein change: p.Thr1404Asn; replaces threonine 1404 with asparagine.
Molecular consequence: missense variant. On other transcripts: non-coding transcript variant (5).
Genome position (GRCh38, 1-based): chr9:120,415,126, G>T on the plus strand (C>A on the coding strand, the complement: CDK5RAP2 is on the minus strand). VCF-style: chr9-120415126-G-T. GRCh37 (hg19) VCF-style: chr9-123177404-G-T.
Other names: c.4211C>A, p.Thr1404Asn (NM_001011649.3); c.3521C>A, p.Thr1174Asn (NM_001272039.2); short protein forms T1404N, T1174N.
Identifiers: ClinVar variation 364755 (VCV000364755.9), dbSNP rs886063394, ClinGen allele CA10632162.

ClinVar aggregate classification (germline): Uncertain significance. Review status: criteria provided, multiple submitters, no conflicts (2 of 4 stars). 2 submissions from 2 submitters: Uncertain significance (2). Last evaluated 2022-07-15.

Conditions:
Microcephaly 3, primary, autosomal recessive. Identifiers: Orphanet 2512, MedGen C1858108, MONDO:0011488, OMIM 604804.

Allele frequency attached by ClinVar (database versions not stated): gnomAD exomes below 0.00001 and 0.00001; gnomAD 0.00002 and 0.00003; TOPMed 0.00002.
gnomAD v4.1: 14 of 1,614,012 alleles (0.00087%); highest among the groups gnomAD compares: Non-Finnish European, 0.0012%; no homozygotes.

Submissions (2):

Labcorp Genetics (formerly Invitae), Labcorp
Classification: Uncertain significance. Last evaluated: 2022-07-15. Review status: criteria provided, single submitter. Criteria: Invitae Variant Classification Sherloc (09022015). Collection method: clinical testing. Allele origin: germline.
Comment: In summary, the available evidence is currently insufficient to determine the role of this variant in disease. Therefore, it has been classified as a Variant of Uncertain Significance. Algorithms developed to predict the effect of missense changes on protein structure and function are either unavailable or do not agree on the potential impact of this missense change (SIFT: "Tolerated"; PolyPhen-2: "Probably Damaging"; Align-GVGD: "Class C0"). ClinVar contains an entry for this variant (Variation ID: 364755). This variant has not been reported in the literature in individuals affected with CDK5RAP2-related conditions. This variant is present in population databases (no rsID available, gnomAD 0.004%). This sequence change replaces threonine, which is neutral and polar, with asparagine, which is neutral and polar, at codon 1404 of the CDK5RAP2 protein (p.Thr1404Asn).

Illumina Laboratory Services, Illumina
Classification: Uncertain significance for Microcephaly 3, primary, autosomal recessive. Last evaluated: 2018-01-13. Review status: criteria provided, single submitter. Criteria: ICSL Variant Classification Criteria 13 December 2019. Collection method: clinical testing. Allele origin: germline.